The following is an entry in ClinVar:

NM_005076.5(CNTN2):c.2587C>T (p.Arg863Ter)

Gene: CNTN2 (contactin 2; plus strand). Cytogenetic location: 1q32.1.
Variant type: single nucleotide variant.
Coding change: c.2587C>T on transcript NM_005076.5 (MANE Select); coding-DNA position 2587, C replaced by T.
Protein change: p.Arg863Ter; replaces arginine 863 with a stop codon.
Molecular consequence: nonsense. On other transcripts: non-coding transcript variant (1).
Genome position (GRCh38, 1-based): chr1:205,071,989, C>T. VCF-style: chr1-205071989-C-T. GRCh37 (hg19) VCF-style: chr1-205041117-C-T.
Other names: c.2587C>T, p.Arg863Ter (NM_001346083.2); short protein forms R863*.
Identifiers: ClinVar variation 1069884 (VCV001069884.7), dbSNP rs531184069, ClinGen allele CA1351742.
Genomic context (GRCh38, chr1:205,071,989, plus strand): 5'-TACCCCCGCCTCCTTCAGATCCGCTACTGGAAAGCTGGGGACAAAGAAGCAGCTGCGGAC[C>T]GAGTGAGGACAGCAGGGCTGGACACCAGTGCCCGAGTCAGCGGCCTGCATCCCAACACCA-3'

ClinVar aggregate classification (germline): Pathogenic (1 of 4 stars; one submission).

Conditions:
Epilepsy, familial adult myoclonic, 5 (EPEO5). Also called: CORTICAL MYOCLONIC TREMOR WITH EPILEPSY, FAMILIAL, 5. Identifiers: Orphanet 86814, MedGen C3809374, MONDO:0014167, OMIM 615400.

Allele frequency attached by ClinVar (database versions not stated): gnomAD exomes below 0.00001; TOPMed below 0.00001; ExAC 0.00001; gnomAD 0.00001; 1000 Genomes Project 30x 0.00016; 1000 Genomes Project 0.00020.
gnomAD v4.1: 5 of 1,613,888 alleles (0.00031%); highest among the groups gnomAD compares: Admixed American, 0.0017%; no homozygotes.

Submission:

Labcorp Genetics (formerly Invitae), Labcorp
Classification: Pathogenic for Epilepsy, familial adult myoclonic, 5. Last evaluated: 2025-12-21. Review status: criteria provided, single submitter. Criteria: Invitae Variant Classification Sherloc (09022015). Collection method: clinical testing. Allele origin: germline.
Comment: This sequence change creates a premature translational stop signal (p.Arg863*) in the CNTN2 gene. It is expected to result in an absent or disrupted protein product. Loss-of-function variants in CNTN2 are known to be pathogenic (PMID: 11178983, 23518707). This variant is present in population databases (rs531184069, gnomAD 0.003%). This variant has not been reported in the literature in individuals affected with CNTN2-related conditions. ClinVar contains an entry for this variant (Variation ID: 1069884). For these reasons, this variant has been classified as Pathogenic.

Literature cited by the submitters: PubMed 11178983; PubMed 23518707.